The following is an entry in ClinVar:

NM_001205293.3(CACNA1E):c.3428G>A (p.Arg1143Gln)

Gene: CACNA1E (calcium voltage-gated channel subunit alpha1 E; plus strand). Cytogenetic location: 1q25.3.
Variant type: single nucleotide variant.
Coding change: c.3428G>A on transcript NM_001205293.3 (MANE Select); coding-DNA position 3428, G replaced by A.
Protein change: p.Arg1143Gln; replaces arginine 1143 with glutamine.
Molecular consequence: missense variant.
Genome position (GRCh38, 1-based): chr1:181,737,530, G>A. VCF-style: chr1-181737530-G-A. GRCh37 (hg19) VCF-style: chr1-181706666-G-A.
Other names: c.3428G>A, p.Arg1143Gln (NM_000721.4); c.3371G>A, p.Arg1124Gln (NM_001205294.2); short protein forms R1124Q, R1143Q.
Identifiers: ClinVar variation 4823832 (VCV004823832.4).

ClinVar aggregate classification (germline): Likely benign (1 of 4 stars; one submission).

gnomAD v4.1: 2 of 1,613,806 alleles (0.00012%); highest among the groups gnomAD compares: Non-Finnish European, 0.00017%; no homozygotes.

Submission:

CeGaT Center for Human Genetics Tuebingen
Classification: Likely benign. Last evaluated: 2026-01-01. Review status: criteria provided, single submitter. Criteria: CeGaT Center For Human Genetics Tuebingen Variant Classification Criteria Version 2. Collection method: clinical testing. Allele origin: germline. Affected: yes. Observed: 1 variant allele.
Comment: CACNA1E: PP2, BS2